The following is an entry in ClinVar:

ClinVar aggregate classification (germline): Pathogenic (1 of 4 stars; one submission).

Conditions:
Hereditary pancreatitis (PCTT). Also called: Hereditary chronic pancreatitis; PRSS1-Related Hereditary Pancreatitis. Identifiers: Orphanet 676, MedGen C0238339, MONDO:0008185, OMIM 167800.

Submission:

Labcorp Genetics (formerly Invitae), Labcorp
Classification: Pathogenic for Hereditary pancreatitis. Last evaluated: 2018-05-31. Review status: criteria provided, single submitter. Criteria: Invitae Variant Classification Sherloc (09022015). Collection method: clinical testing. Allele origin: germline.
Comment: A gross deletion of the genomic region encompassing the full coding sequence of the CTRC gene has been identified. The boundaries of this event are unknown as the deletion extends beyond the assayed region for this gene and therefore may encompass additional genes. A heterozygous deletion including CTRC and several other genes was observed in a family affected with chronic pancreatitis. In addition, another homozygous deletion encompassing CTRC and neighboring genes was observed in an individual with portal hypertension, exocrine pancreatic insufficiency, and indolent pancreatic cysts and calcificationsÂ¬â€  (PMID: 23721890). Loss-of-function variants in CTRC are known to be pathogenic (PMID: 22942235). For these reasons, this variant has been classified as Pathogenic.

Literature cited by the submitters: PubMed 23721890.

NC_000001.10:g.(?_15764961)_(16063358_?)del

Genes: RSC1A1 (regulator of solute carriers 1; plus strand), SLC25A34 (solute carrier family 25 member 34; plus strand), CTRC (chymotrypsin C; plus strand), CASP9 (caspase 9; minus strand), CELA2A (chymotrypsin like elastase 2A; plus strand) and 5 more. Cytogenetic location: 1p36.21.
Variant type: Deletion.
Identifiers: ClinVar variation 584380 (VCV000584380.1).